The following is an entry in ClinVar:

NM_015978.3(TNNI3K):c.1028-17A>G

Genes: FPGT-TNNI3K (FPGT-TNNI3K readthrough; plus strand), TNNI3K (TNNI3 interacting kinase; plus strand). Cytogenetic location: 1p31.1.
Variant type: single nucleotide variant.
Coding change: c.1028-17A>G on transcript NM_015978.3 (MANE Select); 17 bases into the intron before coding-DNA position 1028, A replaced by G.
Molecular consequence: intron variant.
Genome position (GRCh38, 1-based): chr1:74,353,963, A>G. VCF-style: chr1-74353963-A-G. GRCh37 (hg19) VCF-style: chr1-74819647-A-G.
Other names: c.1331-17A>G (NM_001112808.3, NM_001199327.2).
Identifiers: ClinVar variation 2784533 (VCV002784533.3), dbSNP rs1570510129, ClinGen allele CA1176127688.

ClinVar aggregate classification (germline): Uncertain significance (1 of 4 stars; one submission).

Allele frequency attached by ClinVar (database versions not stated): gnomAD exomes below 0.00001; TOPMed below 0.00001.
gnomAD v4.1: 3 of 1,589,392 alleles (0.00019%); highest among the groups gnomAD compares: Non-Finnish European, 0.00026%; no homozygotes.

Submission:

Labcorp Genetics (formerly Invitae), Labcorp
Classification: Uncertain significance. Last evaluated: 2025-12-15. Review status: criteria provided, single submitter. Criteria: Invitae Variant Classification Sherloc (09022015). Collection method: clinical testing. Allele origin: germline.
Comment: This sequence change falls in intron 10 of the TNNI3K gene. It does not directly change the encoded amino acid sequence of the TNNI3K protein. This variant is not present in population databases (gnomAD no frequency). This variant has not been reported in the literature in individuals affected with TNNI3K-related conditions. ClinVar contains an entry for this variant (Variation ID: 2784533). Algorithms developed to predict the effect of sequence changes on RNA splicing suggest that this variant may disrupt the consensus splice site. In summary, the available evidence is currently insufficient to determine the role of this variant in disease. Therefore, it has been classified as a Variant of Uncertain Significance.